The following is an entry in ClinVar:

ClinVar aggregate classification (germline): Benign. Review status: criteria provided, multiple submitters, no conflicts (2 of 4 stars). 2 submissions from 2 submitters: Benign (2). Last evaluated 2018-08-07.

Allele frequency attached by ClinVar (database versions not stated): 1000 Genomes Project 0.33387; gnomAD 0.40164 and 0.40581; gnomAD exomes 0.43504; 1000 Genomes Project 30x 0.33588; TOPMed 0.39401.

Submissions (2):

GeneDx
Classification: Benign. Last evaluated: 2018-08-07. Review status: criteria provided, single submitter. Criteria: GeneDx Variant Classification Process June 2021. Collection method: clinical testing. Allele origin: germline. Affected: yes.

Women's Health and Genetics/Laboratory Corporation of America, LabCorp
Classification: Benign. Last evaluated: 2017-07-12. Review status: criteria provided, single submitter. Criteria: LabCorp Variant Classification Summary - May 2015. Collection method: clinical testing. Allele origin: germline.
Comment: Variant summary: The PEX6 c.-55C>T variant located in the 5' Untranslated Region (5' UTR) involves the alteration of a non-conserved nucleotide. This variant was found in 12400/30804 (2581 homozygotes) control chromosomes at a frequency of 0.4025451, which is approximately 208 times the estimated maximal expected allele frequency of a pathogenic PEX6 variant (0.0019365), suggesting this variant is likely a benign polymorphism. A clinical diagnostic laboratory classified this variant as benign. Taken together, this variant is classified as benign.

NM_000287.3(PEX6):c.-55C>T

Gene: PEX6 (peroxisomal biogenesis factor 6; minus strand). Cytogenetic location: 6p21.1.
Variant type: single nucleotide variant.
Coding change: c.-55C>T on transcript NM_000287.3; 55 bases upstream of the start codon, C replaced by T.
Genome position (GRCh38, 1-based): chr6:42,979,205, G>A on the plus strand (C>T on the coding strand, the complement: PEX6 is on the minus strand). VCF-style: chr6-42979205-G-A. GRCh37 (hg19) VCF-style: chr6-42946943-G-A.
Identifiers: ClinVar variation 356808 (VCV000356808.9), dbSNP rs9462859, ClinGen allele CA10622122.